The following is an entry in ClinVar:

NM_017986.4(SLC52A1):c.533A>G (p.Asn178Ser)

Gene: SLC52A1 (solute carrier family 52 member 1; minus strand). Cytogenetic location: 17p13.2.
Variant type: single nucleotide variant.
Coding change: c.533A>G on transcript NM_017986.4 (MANE Select); coding-DNA position 533, A replaced by G.
Protein change: p.Asn178Ser; replaces asparagine 178 with serine.
Molecular consequence: missense variant.
Genome position (GRCh38, 1-based): chr17:5,033,956, T>C on the plus strand (A>G on the coding strand, the complement: SLC52A1 is on the minus strand). VCF-style: chr17-5033956-T-C. GRCh37 (hg19) VCF-style: chr17-4937251-T-C.
Other names: c.533A>G, p.Asn178Ser (NM_001104577.2); short protein forms N178S.
Identifiers: ClinVar variation 2196385 (VCV002196385.4), dbSNP rs531651649, ClinGen allele CA8319768.
Genomic context (GRCh38, chr17:5,033,956, plus strand): 5'-CAGAAGAAGGTGCTGGCAGGAAAACGCTCAGGGAAGTCGAGGGGAGGCCCAGAGGTGCCA[T>C]TGGTGGGCGCTGGTGGGCACTCGAGGCGGCCCACACCTTGCACTAGGGCCAGCACACAGG-3'
Protein context (NP_060456.3, residues 168-188): GRLECPPAPT[Asn178Ser]GTSGPPLDFP

ClinVar aggregate classification (germline): Uncertain significance (1 of 4 stars; one submission).

Conditions:
Vitamin B2 deficiency. Identifiers: MedGen C0035528.

Allele frequency attached by ClinVar (database versions not stated): gnomAD 0.00002; TOPMed 0.00002; 1000 Genomes Project 30x 0.00016; 1000 Genomes Project 0.00020.

Submission:

Labcorp Genetics (formerly Invitae), Labcorp
Classification: Uncertain significance for Vitamin B2 deficiency. Last evaluated: 2024-06-26. Review status: criteria provided, single submitter. Criteria: Invitae Variant Classification Sherloc (09022015). Collection method: clinical testing. Allele origin: germline.
Comment: This sequence change replaces asparagine, which is neutral and polar, with serine, which is neutral and polar, at codon 178 of the SLC52A1 protein (p.Asn178Ser). This variant is present in population databases (rs531651649, gnomAD 0.01%). This variant has not been reported in the literature in individuals affected with SLC52A1-related conditions. ClinVar contains an entry for this variant (Variation ID: 2196385). An algorithm developed to predict the effect of missense changes on protein structure and function (PolyPhen-2) suggests that this variant is likely to be tolerated. In summary, the available evidence is currently insufficient to determine the role of this variant in disease. Therefore, it has been classified as a Variant of Uncertain Significance.